The following is an entry in ClinVar:

ClinVar aggregate classification (germline): Uncertain significance (1 of 4 stars; one submission).

Conditions:
Dilated cardiomyopathy 1O (CMD1O). Also called: CARDIOMYOPATHY, DILATED, WITH VENTRICULAR TACHYCARDIA. Identifiers: Orphanet 154, MedGen C1837839, MONDO:0012062, OMIM 608569.

gnomAD v4.1: 1 of 1,595,354 alleles (0.000063%); highest among the groups gnomAD compares: Non-Finnish European, 0.000086%; no homozygotes.

Submission:

Labcorp Genetics (formerly Invitae), Labcorp
Classification: Uncertain significance for Dilated cardiomyopathy 1O. Last evaluated: 2022-05-31. Review status: criteria provided, single submitter. Criteria: Invitae Variant Classification Sherloc (09022015). Collection method: clinical testing. Allele origin: germline.
Comment: Algorithms developed to predict the effect of sequence changes on RNA splicing suggest that this variant may disrupt the consensus splice site. In summary, the available evidence is currently insufficient to determine the role of this variant in disease. Therefore, it has been classified as a Variant of Uncertain Significance. Algorithms developed to predict the effect of missense changes on protein structure and function (SIFT, PolyPhen-2, Align-GVGD) all suggest that this variant is likely to be tolerated. This variant has not been reported in the literature in individuals affected with ABCC9-related conditions. This variant is not present in population databases (gnomAD no frequency). This sequence change replaces serine, which is neutral and polar, with arginine, which is basic and polar, at codon 746 of the ABCC9 protein (p.Ser746Arg).

NM_020297.4(ABCC9):c.2238T>G (p.Ser746Arg)

Gene: ABCC9 (ATP binding cassette subfamily C member 9; minus strand). Cytogenetic location: 12p12.1.
Variant type: single nucleotide variant.
Coding change: c.2238T>G on transcript NM_020297.4 (MANE Select); coding-DNA position 2238, T replaced by G.
Protein change: p.Ser746Arg; replaces serine 746 with arginine.
Molecular consequence: missense variant. On other transcripts: intron variant (1).
Genome position (GRCh38, 1-based): chr12:21,863,054, A>C on the plus strand (T>G on the coding strand, the complement: ABCC9 is on the minus strand). VCF-style: chr12-21863054-A-C. GRCh37 (hg19) VCF-style: chr12-22015988-A-C.
Other names: c.2238T>G, p.Ser746Arg (NM_001377273.1, NM_005691.4); c.1374-3T>G (NM_001377274.1); short protein forms S746R.
Identifiers: ClinVar variation 2001328 (VCV002001328.4), dbSNP rs1158913938, ClinGen allele CA384130191.